The following is an entry in ClinVar:

NM_001277115.2(DNAH11):c.6988G>A (p.Val2330Met)

Gene: DNAH11 (dynein axonemal heavy chain 11; plus strand). Cytogenetic location: 7p15.3.
Variant type: single nucleotide variant.
Coding change: c.6988G>A on transcript NM_001277115.2 (MANE Select); coding-DNA position 6988, G replaced by A.
Protein change: p.Val2330Met; replaces valine 2330 with methionine.
Molecular consequence: missense variant.
Genome position (GRCh38, 1-based): chr7:21,717,779, G>A. VCF-style: chr7-21717779-G-A. GRCh37 (hg19) VCF-style: chr7-21757397-G-A.
Other names: c.7009G>A, p.Val2337Met (NM_003777.3); c.6988G>A (NM_001277115.1); short protein forms V2330M, V2337M.
Identifiers: ClinVar variation 2912765 (VCV002912765.4), dbSNP rs766617896, ClinGen allele CA4181085.

ClinVar aggregate classification (germline): Conflicting classifications of pathogenicity. Review status: criteria provided, conflicting classifications (1 of 4 stars). 2 submissions from 2 submitters: Uncertain significance (1); Benign (1). Last evaluated 2024-12-17.

Conditions:
Primary ciliary dyskinesia. Also called: Ciliary dyskinesia. Identifiers: Orphanet 244, MedGen C0008780, MONDO:0016575, HP:0012265.

Allele frequency attached by ClinVar (database versions not stated): TOPMed 0.00001; gnomAD 0.00002.
gnomAD v4.1: 8 of 1,613,604 alleles (0.0005%); highest among the groups gnomAD compares: African/African-American, 0.0093%; no homozygotes.

Submissions (2):

GeneDx
Classification: Uncertain significance. Last evaluated: 2024-12-17. Review status: criteria provided, single submitter. Criteria: GeneDx Variant Classification Process June 2021. Collection method: clinical testing. Allele origin: germline. Affected: yes.
Comment: In silico analysis supports that this missense variant has a deleterious effect on protein structure/function; Has not been previously published as pathogenic or benign to our knowledge

Labcorp Genetics (formerly Invitae), Labcorp
Classification: Benign for Primary ciliary dyskinesia. Last evaluated: 2023-11-03. Review status: criteria provided, single submitter. Criteria: Invitae Variant Classification Sherloc (09022015). Collection method: clinical testing. Allele origin: germline.